The following is an entry in ClinVar:

NM_005902.4(SMAD3):c.1040A>C (p.Glu347Ala)

Gene: SMAD3 (SMAD family member 3; plus strand). Cytogenetic location: 15q22.33.
Variant type: single nucleotide variant.
Coding change: c.1040A>C on transcript NM_005902.4 (MANE Select); coding-DNA position 1040, A replaced by C.
Protein change: p.Glu347Ala; replaces glutamic acid 347 with alanine.
Molecular consequence: missense variant.
Genome position (GRCh38, 1-based): chr15:67,187,395, A>C. VCF-style: chr15-67187395-A-C. GRCh37 (hg19) VCF-style: chr15-67479733-A-C.
Other names: c.725A>C, p.Glu242Ala (NM_001145102.2, NM_001407016.1); c.908A>C, p.Glu303Ala (NM_001145103.2, NM_001407012.1); c.455A>C, p.Glu152Ala (NM_001145104.2, NM_001407017.1); c.1151A>C, p.Glu384Ala (NM_001407011.1); c.902A>C, p.Glu301Ala (NM_001407013.1); c.893A>C, p.Glu298Ala (NM_001407014.1); c.593A>C, p.Glu198Ala (NM_001407015.1); short protein forms E152A, E198A, E242A, E298A, E301A, E303A, E347A, E384A.
Identifiers: ClinVar variation 3073328 (VCV003073328.1), dbSNP rs2505310189, ClinGen allele CA392958119.

ClinVar aggregate classification (germline): Uncertain significance (1 of 4 stars; one submission).

Conditions:
Aneurysm-osteoarthritis syndrome. Also called: SMAD3-Related Loeys-Dietz Syndrome; ANEURYSMS-OSTEOARTHRITIS SYNDROME; Loeys-Dietz syndrome, type 1C; LOEYS-DIETZ SYNDROME WITH OSTEOARTHRITIS. Identifiers: Orphanet 284984, MedGen C3151087, MONDO:0013426, OMIM 613795.

Submission:

All of Us Research Program, National Institutes of Health
Classification: Uncertain significance for Aneurysm-osteoarthritis syndrome. Last evaluated: 2023-09-04. Review status: criteria provided, single submitter. Criteria: ACMG Guidelines, 2015. Collection method: clinical testing. Allele origin: germline. Inheritance: Autosomal dominant inheritance. Observed: 2 variant alleles, 2 heterozygotes.
Comment: This missense variant replaces glutamic acid with alanine at codon 347 of the SMAD3 protein. Computational prediction suggests that this variant may have deleterious impact on protein structure and function (internally defined REVEL score threshold >= 0.7, PMID: 27666373). To our knowledge, functional studies have not been reported for this variant. This variant has not been reported in individuals affected with SMAD3-related disorders in the literature. This variant has not been identified in the general population by the Genome Aggregation Database (gnomAD). The available evidence is insufficient to determine the role of this variant in disease conclusively. Therefore, this variant is classified as a Variant of Uncertain Significance.

This study involves interpretation of variants in research participants for the purpose of population health screening. Participant phenotype was not available at the time of variant classification. Additional details can be found in publication PMID: 35346344, PMCID: PMC8962531